The following is an entry in ClinVar:

NM_031935.3(HMCN1):c.9055A>C (p.Thr3019Pro)

Gene: HMCN1 (hemicentin 1; plus strand). Cytogenetic location: 1q31.1.
Variant type: single nucleotide variant.
Coding change: c.9055A>C on transcript NM_031935.3 (MANE Select); coding-DNA position 9055, A replaced by C.
Protein change: p.Thr3019Pro; replaces threonine 3019 with proline.
Molecular consequence: missense variant.
Genome position (GRCh38, 1-based): chr1:186,087,225, A>C. VCF-style: chr1-186087225-A-C. GRCh37 (hg19) VCF-style: chr1-186056357-A-C.
Other names: short protein forms T3019P.
Identifiers: ClinVar variation 1990424 (VCV001990424.4), dbSNP rs2527891920, ClinGen allele CA343918368.
Genomic context (GRCh38, chr1:186,087,225, plus strand): 5'-TGTTAGAACAACCTGTATACCACTCTACAATTTGCATTCTATTTACCTACAGGTGGTCGA[A>C]CTCTACAGATTATTCGGGCCAAGGTATCAGATGGTGGTGAATACACTTGTATAGCTATCA-3'
Protein context (NP_114141.2, residues 3009-3029): TNTLIVPGGR[Thr3019Pro]LQIIRAKVSD

ClinVar aggregate classification (germline): Uncertain significance (1 of 4 stars; one submission).

Submission:

Labcorp Genetics (formerly Invitae), Labcorp
Classification: Uncertain significance. Last evaluated: 2024-05-24. Review status: criteria provided, single submitter. Criteria: Invitae Variant Classification Sherloc (09022015). Collection method: clinical testing. Allele origin: germline.
Comment: This sequence change replaces threonine, which is neutral and polar, with proline, which is neutral and non-polar, at codon 3019 of the HMCN1 protein (p.Thr3019Pro). This variant is not present in population databases (gnomAD no frequency). This variant has not been reported in the literature in individuals affected with HMCN1-related conditions. ClinVar contains an entry for this variant (Variation ID: 1990424). An algorithm developed to predict the effect of missense changes on protein structure and function (PolyPhen-2) suggests that this variant is likely to be disruptive. In summary, the available evidence is currently insufficient to determine the role of this variant in disease. Therefore, it has been classified as a Variant of Uncertain Significance.